The following is an entry in ClinVar:

NC_012920.1(MT-TS2):m.12236G>A

Gene: MT-TS2 (mitochondrially encoded tRNA serine 2 (AGU/C); plus strand).
Variant type: single nucleotide variant.
Genome position: chrM-12236-G-A.
Identifiers: ClinVar variation 440357 (VCV000440357.10), dbSNP rs28359170, ClinGen allele CA337099418.
Genomic context (GRCh38, chrMT:12,236, plus strand): 5'-GACAACAGAGGCTTACGACCCCTTATTTACCGAGAAAGCTCACAAGAACTGCTAACTCAT[G>A]CCCCCATGTCTAACAACATGGCTTTCTCAACTTTTAAAGGATAACAGCTATCCATTGGTC-3'

ClinVar aggregate classification (germline): Conflicting classifications of pathogenicity. Review status: criteria provided, conflicting classifications (1 of 4 stars). 3 submissions from 3 submitters: Uncertain significance (1); Benign (2). Last evaluated 2019-07-12.

Conditions:
MELAS syndrome (MELAS). Also called: Juvenile myopathy, encephalopathy, lactic acidosis, stroke. Identifiers: Orphanet 550, MedGen C0162671, MONDO:0010789, OMIM 540000.

Submissions (3):

Wong Mito Lab, Molecular and Human Genetics, Baylor College of Medicine
Classification: Benign for MELAS syndrome. Last evaluated: 2019-07-12. Review status: criteria provided, single submitter. Criteria: Modified ACMG Guidelines (Unpublished). Collection method: clinical testing. Allele origin: germline.
Comment: The NC_012920.1:m.12236G>A variant in MT-TS2 gene is interpreted to be a Benign variant based on the modified ACMG guidelines (unpublished). This variant meets the following evidence codes reported in the guidelines: BS1, BS2, BP4

Athena Diagnostics
Classification: Benign. Last evaluated: 2018-11-19. Review status: criteria provided, single submitter. Criteria: Athena Diagnostics Criteria. Collection method: clinical testing. Allele origin: germline.

ARUP Laboratories, Molecular Genetics and Genomics, ARUP Laboratories
Classification: Uncertain significance. Last evaluated: 2017-03-10. Review status: criteria provided, single submitter. Criteria: ARUP Molecular Germline Variant Investigation Process. Collection method: clinical testing. Allele origin: germline.

Literature cited by the submitters: PubMed 31965079 (cited by Wong Mito Lab, Molecular and Human Genetics, Baylor College of Medicine); PubMed 7689389 (cited by Athena Diagnostics); PubMed 23563965 (cited by Athena Diagnostics); PubMed 17637808 (cited by Athena Diagnostics); PubMed 27230773 (cited by Athena Diagnostics); PubMed 24146900 (cited by Athena Diagnostics); PubMed 28842646 (cited by Athena Diagnostics); PubMed 19370763 (cited by Athena Diagnostics); PubMed 16947981 (cited by Athena Diagnostics).